The following is an entry in ClinVar:

NM_020778.5(ALPK3):c.3916G>A (p.Val1306Ile)

Gene: ALPK3 (alpha kinase 3; plus strand). Cytogenetic location: 15q25.3.
Variant type: single nucleotide variant.
Coding change: c.3916G>A on transcript NM_020778.5 (MANE Select); coding-DNA position 3916, G replaced by A.
Protein change: p.Val1306Ile; replaces valine 1306 with isoleucine.
Molecular consequence: missense variant.
Genome position (GRCh38, 1-based): chr15:84,859,341, G>A. VCF-style: chr15-84859341-G-A. GRCh37 (hg19) VCF-style: chr15-85402572-G-A.
Other names: short protein forms V1306I.
Identifiers: ClinVar variation 2563948 (VCV002563948.2), dbSNP rs2505724002, ClinGen allele CA393361566.
Genomic context (GRCh38, chr15:84,859,341, plus strand): 5'-CCTGATGCCTCCGGTAGCCTGAAGCTGTGGTGCCAGTTTTTCAACATTCTTAGTGACTCA[G>A]TCTTGACATGGGCCAAGGATCAGCGCCCAGTGGGCGAGGTGGGCAGGAGGTAAGCCAACG-3'
Protein context (NP_065829.4, residues 1296-1316): CQFFNILSDS[Val1306Ile]LTWAKDQRPV

ClinVar aggregate classification (germline): Uncertain significance (1 of 4 stars; one submission).

Conditions:
Cardiovascular phenotype. Identifiers: MedGen CN230736.

Allele frequency attached by ClinVar (database versions not stated): gnomAD exomes below 0.00001.
gnomAD v4.1: 1 of 1,614,188 alleles (0.000062%); highest among the groups gnomAD compares: Non-Finnish European, 0.000085%; no homozygotes.

Submission:

Ambry Genetics
Classification: Uncertain significance for Cardiovascular phenotype. Last evaluated: 2023-05-30. Review status: criteria provided, single submitter. Criteria: Ambry Variant Classification Scheme 2023. Collection method: clinical testing. Allele origin: germline.
Comment: The p.V1508I variant (also known as c.4522G>A), located in coding exon 7 of the ALPK3 gene, results from a G to A substitution at nucleotide position 4522. The valine at codon 1508 is replaced by isoleucine, an amino acid with highly similar properties. This amino acid position is not well conserved in available vertebrate species. In addition, this alteration is predicted to be tolerated by in silico analysis. Since supporting evidence is limited at this time, the clinical significance of this alteration remains unclear.